The following is an entry in ClinVar:

NC_000019.9:g.(?_6361586)_(8212364_?)del

Genes: ADGRE1 (adhesion G protein-coupled receptor E1; plus strand), ALKBH7 (alkB homolog 7, RNA demethylase; plus strand), ARHGEF18 (Rho/Rac guanine nucleotide exchange factor 18; plus strand), C3 (complement C3; minus strand), CAMSAP3 (calmodulin regulated spectrin associated protein family member 3; plus strand) and 48 more. Cytogenetic location: 19p13.3-13.2.
Variant type: Deletion.
Identifiers: ClinVar variation 2426564 (VCV002426564.4).

ClinVar aggregate classification (germline): Pathogenic (1 of 4 stars; one submission).

Conditions:
Mucolipidosis type IV (ML4). Also called: ML IV. Identifiers: Orphanet 578, MedGen C0238286, MONDO:0009653, OMIM 252650.

Submission:

Labcorp Genetics (formerly Invitae), Labcorp
Classification: Pathogenic for Mucolipidosis type IV. Last evaluated: 2022-08-07. Review status: criteria provided, single submitter. Criteria: Invitae Variant Classification Sherloc (09022015). Collection method: clinical testing. Allele origin: germline.
Comment: A gross deletion of the genomic region encompassing the full coding sequence of the MCOLN1 gene has been identified. Loss-of-function variants in MCOLN1 are known to be pathogenic (PMID: 11030752, 11317355). The boundaries of this event are unknown as they extend beyond the assayed region for this gene and therefore may encompass additional genes. This variant has not been reported in the literature in individuals affected with MCOLN1-related conditions. For these reasons, this variant has been classified as Pathogenic.

Literature cited by the submitters: PubMed 11030752; PubMed 11317355.